The following is an entry in ClinVar:

NM_001735.3(C5):c.4673C>T (p.Ala1558Val)

Gene: C5 (complement C5; minus strand). Cytogenetic location: 9q33.2.
Variant type: single nucleotide variant.
Coding change: c.4673C>T on transcript NM_001735.3 (MANE Select); coding-DNA position 4673, C replaced by T.
Protein change: p.Ala1558Val; replaces alanine 1558 with valine.
Molecular consequence: missense variant.
Genome position (GRCh38, 1-based): chr9:120,960,253, G>A on the plus strand (C>T on the coding strand, the complement: C5 is on the minus strand). VCF-style: chr9-120960253-G-A. GRCh37 (hg19) VCF-style: chr9-123722531-G-A.
Other names: c.4691C>T, p.Ala1564Val (NM_001317163.2); short protein forms A1558V, A1564V.
Identifiers: ClinVar variation 2485469 (VCV002485469.3), dbSNP rs774166079, ClinGen allele CA5217110.

ClinVar aggregate classification (germline): Uncertain significance. Review status: criteria provided, single submitter (1 of 4 stars). 2 submissions from 2 submitters: Uncertain significance (1). 1 of the submissions does not count toward it. Last evaluated 2023-02-16.

Conditions:
C5-related disorder. Also called: C5-related condition.

Allele frequency attached by ClinVar (database versions not stated): TOPMed 0.00002.
gnomAD v4.1: 3 of 1,604,564 alleles (0.00019%); highest among the groups gnomAD compares: Admixed American, 0.0033%; no homozygotes.

Submissions (2):

Ambry Genetics
Classification: Uncertain significance. Last evaluated: 2023-02-16. Review status: criteria provided, single submitter. Criteria: Ambry Variant Classification Scheme 2023. Collection method: clinical testing. Allele origin: germline.

PreventionGenetics, part of Exact Sciences
Classification: Uncertain significance for C5-related condition. Last evaluated: 2024-05-27. Review status: no assertion criteria provided. Collection method: clinical testing. Allele origin: germline. Not counted in ClinVar's aggregate classification.
Comment: The C5 c.4673C>T variant is predicted to result in the amino acid substitution p.Ala1558Val. To our knowledge, this variant has not been reported in the literature. This variant is reported in 0.0029% of alleles in individuals of Latino descent in gnomAD. At this time, the clinical significance of this variant is uncertain due to the absence of conclusive functional and genetic evidence.